The following is an entry in ClinVar:

NM_000496.3(CRYBB2):c.174-12T>A

Gene: CRYBB2 (crystallin beta B2; plus strand). Cytogenetic location: 22q11.23.
Variant type: single nucleotide variant.
Coding change: c.174-12T>A on transcript NM_000496.3 (MANE Select); 12 bases into the intron before coding-DNA position 174, T replaced by A.
Molecular consequence: intron variant.
Genome position (GRCh38, 1-based): chr22:25,227,841, T>A. VCF-style: chr22-25227841-T-A. GRCh37 (hg19) VCF-style: chr22-25623808-T-A.
Identifiers: ClinVar variation 1947443 (VCV001947443.5), dbSNP rs369373810, ClinGen allele CA10157960.

ClinVar aggregate classification (germline): Uncertain significance (1 of 4 stars; one submission).

Conditions:
Cataract 3 multiple types. Also called: CATARACT 3, MULTIPLE TYPES, WITH OR WITHOUT MICROCORNEA. Identifiers: Orphanet 1377, MedGen C1832175, MONDO:0011104, OMIM 601547.

Allele frequency attached by ClinVar (database versions not stated): gnomAD 0.00004; ESP Exome Variant Server 0.00008; ExAC 0.00014.

Submission:

Labcorp Genetics (formerly Invitae), Labcorp
Classification: Uncertain significance for Cataract 3 multiple types. Last evaluated: 2023-05-17. Review status: criteria provided, single submitter. Criteria: Invitae Variant Classification Sherloc (09022015). Collection method: clinical testing. Allele origin: germline.
Comment: Algorithms developed to predict the effect of sequence changes on RNA splicing suggest that this variant may disrupt the consensus splice site. In summary, the available evidence is currently insufficient to determine the role of this variant in disease. Therefore, it has been classified as a Variant of Uncertain Significance. This sequence change falls in intron 3 of the CRYBB2 gene. It does not directly change the encoded amino acid sequence of the CRYBB2 protein. This variant is present in population databases (rs369373810, gnomAD 0.02%). This variant has not been reported in the literature in individuals affected with CRYBB2-related conditions. ClinVar contains an entry for this variant (Variation ID: 1947443).